The following is an entry in ClinVar:

NM_004006.3(DMD):c.3953A>G (p.Asp1318Gly)

Gene: DMD (dystrophin; minus strand). Cytogenetic location: Xp21.1.
Variant type: single nucleotide variant.
Coding change: c.3953A>G on transcript NM_004006.3 (MANE Select); coding-DNA position 3953, A replaced by G.
Protein change: p.Asp1318Gly; replaces aspartic acid 1318 with glycine.
Molecular consequence: missense variant.
Genome position (GRCh38, 1-based): chrX:32,438,359, T>C on the plus strand (A>G on the coding strand, the complement: DMD is on the minus strand). VCF-style: chrX-32438359-T-C. GRCh37 (hg19) VCF-style: chrX-32456476-T-C.
Other names: c.3929A>G, p.Asp1310Gly (NM_000109.4); c.3941A>G, p.Asp1314Gly (NM_004009.3); c.3584A>G, p.Asp1195Gly (NM_004010.3); short protein forms D1318G, D1314G, D1195G, D1310G.
Identifiers: ClinVar variation 426582 (VCV000426582.14), dbSNP rs759820971, ClinGen allele CA10379146.

ClinVar aggregate classification (germline): Conflicting classifications of pathogenicity. Review status: criteria provided, conflicting classifications (1 of 4 stars). 5 submissions from 5 submitters: Uncertain significance (2); Likely benign (2). 1 of the submissions does not count toward it. Last evaluated 2025-09-24.

Conditions:
Cardiovascular phenotype. Identifiers: MedGen CN230736.
Dystrophin deficiency.
Becker muscular dystrophy (BMD). Also called: MUSCULAR DYSTROPHY, PSEUDOHYPERTROPHIC PROGRESSIVE, BECKER TYPE; Becker Muscular Dystrophy (BMD). Identifiers: Orphanet 98895, MedGen C0917713, MONDO:0010311, OMIM 300376.
Dilated cardiomyopathy 3B (CMD3B). Also called: CMD3B: DMD-Related Dilated Cardiomyopathy; CARDIOMYOPATHY, DILATED, X-LINKED; DMD-Associated Dilated Cardiomyopathy. Identifiers: Orphanet 154, MedGen C3668940, MONDO:0010542, OMIM 302045.
Duchenne muscular dystrophy (DMD). Also called: MUSCULAR DYSTROPHY, PSEUDOHYPERTROPHIC PROGRESSIVE, DUCHENNE TYPE; Duchenne Muscular Dystrophy (DMD). Identifiers: Orphanet 98896, MedGen C0013264, MONDO:0010679, OMIM 310200.

Allele frequency attached by ClinVar (database versions not stated): ExAC 0.00001; gnomAD exomes 0.00001 and 0.00002; TOPMed 0.00002.
gnomAD v4.1: 5 of 1,211,779 alleles (0.00041%); highest among the groups gnomAD compares: East Asian, 0.015%; no homozygotes.

Submissions (5):

Labcorp Genetics (formerly Invitae), Labcorp
Classification: Likely benign for Duchenne muscular dystrophy. Last evaluated: 2025-09-24. Review status: criteria provided, single submitter. Criteria: Invitae Variant Classification Sherloc (09022015). Collection method: clinical testing. Allele origin: germline.

Ambry Genetics
Classification: Likely benign for Cardiovascular phenotype. Last evaluated: 2025-03-27. Review status: criteria provided, single submitter. Criteria: Ambry Variant Classification Scheme 2023. Collection method: clinical testing. Allele origin: germline.

Fulgent Genetics
Classification: Uncertain significance for Becker muscular dystrophy; Dilated cardiomyopathy 3B; Duchenne muscular dystrophy. Last evaluated: 2021-08-11. Review status: criteria provided, single submitter. Criteria: ACMG Guidelines, 2015. Collection method: clinical testing. Allele origin: unknown.

GeneDx
Classification: Uncertain significance. Last evaluated: 2018-10-02. Review status: criteria provided, single submitter. Criteria: GeneDx Variant Classification (06012015). Collection method: clinical testing. Allele origin: germline. Affected: yes.
Comment: A variant of uncertain significance has been identified in the DMD gene. The D1318G variant has not been published as pathogenic or been reported as benign to our knowledge. This variant is a non-conservative amino acid substitution, which is likely to impact secondary protein structure as these residues differ in polarity, charge, size and/or other properties. In-silico analyses, including protein predictors and evolutionary conservation, support a deleterious effect. However, while a missense variant at the same residue (D1318H) has been reported in associated with BMD (Taylor et al., 2007), the clinical significance of this variant also remains to be definitively determined. Furthermore, the majority of pathogenic variants in the DMD gene are exon-level deletions or duplications (Stenson et al., 2014). Finally, this variant is observed in 3/178252 (0.002%) alleles from individuals of multiple ethnic backgrounds, including one hemizygous individual, in large population cohorts, indicating this may be a rare benign variant (Lek et al., 2016). Therefore, based on the currently available information, it is unclear whether this variant is pathogenic or rare benign.

Natera, Inc.
Classification: Uncertain significance for Dystrophin deficiency. Last evaluated: 2020-09-16. Review status: no assertion criteria provided. Collection method: clinical testing. Allele origin: germline. Not counted in ClinVar's aggregate classification.